The following is an entry in ClinVar:

NM_003924.4(PHOX2B):c.591C>G (p.Gly197=)

Gene: PHOX2B (paired like homeobox 2B; minus strand). Cytogenetic location: 4p13.
Variant type: single nucleotide variant.
Coding change: c.591C>G on transcript NM_003924.4 (MANE Select); coding-DNA position 591, C replaced by G.
Protein change: p.Gly197=; no amino-acid change (glycine 197 retained).
Molecular consequence: synonymous variant.
Genome position (GRCh38, 1-based): chr4:41,746,161, G>C on the plus strand (C>G on the coding strand, the complement: PHOX2B is on the minus strand). VCF-style: chr4-41746161-G-C. GRCh37 (hg19) VCF-style: chr4-41748178-G-C.
Identifiers: ClinVar variation 259203 (VCV000259203.52), dbSNP rs144414806, ClinGen allele CA2901478.

ClinVar aggregate classification (germline): Benign/Likely benign. Review status: criteria provided, multiple submitters, no conflicts (2 of 4 stars). 10 submissions from 10 submitters: Benign (1); Likely benign (6). 3 of the submissions do not count toward it. Last evaluated 2026-05-01.

Conditions:
Hereditary cancer-predisposing syndrome. Also called: Tumor predisposition; Hereditary Cancer Syndrome; Neoplastic Syndromes, Hereditary; Hereditary neoplastic syndrome. Identifiers: Orphanet 140162, MedGen C0027672, MeSH D009386, MONDO:0015356.
Haddad syndrome (OHD). Also called: Ondine-Hirschsprung disease. Identifiers: Orphanet 99803, MedGen C1859049, MONDO:0020493.

Allele frequency attached by ClinVar (database versions not stated): gnomAD exomes 0.00047; ExAC 0.00055; TOPMed 0.00026; gnomAD 0.00036; ESP Exome Variant Server 0.00046.
gnomAD v4.1: 713 of 1,612,518 alleles (0.044%); highest among the groups gnomAD compares: Non-Finnish European, 0.055%; no homozygotes.

Submissions (10):

CeGaT Center for Human Genetics Tuebingen
Classification: Likely benign. Last evaluated: 2026-05-01. Review status: criteria provided, single submitter. Criteria: CeGaT Center For Human Genetics Tuebingen Variant Classification Criteria Version 2. Collection method: clinical testing. Allele origin: germline. Affected: yes. Observed: 9 variant alleles.
Comment: PHOX2B: BP4, BP7

Labcorp Genetics (formerly Invitae), Labcorp
Classification: Benign for Haddad syndrome. Last evaluated: 2025-11-10. Review status: criteria provided, single submitter. Criteria: Invitae Variant Classification Sherloc (09022015). Collection method: clinical testing. Allele origin: germline.

Blueprint Genetics
Classification: Likely benign. Last evaluated: 2024-11-22. Review status: criteria provided, single submitter. Criteria: ACMG Guidelines, 2015. Collection method: clinical testing. Allele origin: germline.

Sema4
Classification: Likely benign for Hereditary cancer-predisposing syndrome. Last evaluated: 2021-09-23. Review status: criteria provided, single submitter. Criteria: Sema4 Curation Guidelines. Collection method: curation. Allele origin: germline.

GeneDx
Classification: Likely benign. Last evaluated: 2018-08-08. Review status: criteria provided, single submitter. Criteria: GeneDx Variant Classification Process June 2021. Collection method: clinical testing. Allele origin: germline. Affected: yes.

Ambry Genetics
Classification: Likely benign for Hereditary cancer-predisposing syndrome. Last evaluated: 2017-08-04. Review status: criteria provided, single submitter. Criteria: Ambry Variant Classification Scheme 2023. Collection method: clinical testing. Allele origin: germline.

PreventionGenetics, part of Exact Sciences
Classification: Likely benign. Review status: criteria provided, single submitter. Criteria: ACMG Guidelines, 2015. Collection method: clinical testing. Allele origin: germline.

Clinical Genetics DNA and cytogenetics Diagnostics Lab, Erasmus MC, Erasmus Medical Center
Classification: Likely benign. Review status: no assertion criteria provided. Collection method: clinical testing. Allele origin: germline. Affected: yes. Study: VKGL Data-share Consensus. Not counted in ClinVar's aggregate classification.

Diagnostic Laboratory, Department of Genetics, University Medical Center Groningen
Classification: Likely benign. Review status: no assertion criteria provided. Collection method: clinical testing. Allele origin: germline. Affected: yes. Study: VKGL Data-share Consensus. Not counted in ClinVar's aggregate classification.

Genome Diagnostics Laboratory, Amsterdam University Medical Center
Classification: Likely benign. Review status: no assertion criteria provided. Collection method: clinical testing. Allele origin: germline. Affected: yes. Study: VKGL Data-share Consensus. Not counted in ClinVar's aggregate classification.